The following is an entry in ClinVar:

NM_001267550.2(TTN):c.31956_31959del (p.Glu10653fs)

Gene: TTN (titin; minus strand). Cytogenetic location: 2q31.2.
Variant type: Deletion.
Coding change: c.31956_31959del on transcript NM_001267550.2 (MANE Select); coding-DNA positions 31956 to 31959, 4 bases deleted (TGAA; older notation c.31956_31959delTGAA).
Protein change: p.Glu10653fs; shifts the reading frame from glutamic acid 10653.
Molecular consequence: frameshift variant. On other transcripts: intron variant (3).
Genome position (GRCh38, 1-based): chr2:178,689,342-178,689,345, TTCA deleted on the plus strand (TGAA on the coding strand, the reverse complement: TTN is on the minus strand). VCF-style (leftmost placement, unchanged base first): chr2-178689341-CTTCA-C. GRCh37 (hg19) VCF-style: chr2-179554068-CTTCA-C.
Other names: c.31005_31008del, p.Glu10336fs (NM_001256850.1); c.28224_28227del, p.Glu9409fs (NM_133378.4); c.13283-47028_13283-47025del (NM_003319.4); c.13859-47028_13859-47025del (NM_133437.4); c.13658-47028_13658-47025del (NM_133432.3); short protein forms E10653fs, E10336fs, E9409fs.
Identifiers: ClinVar variation 4790823 (VCV004790823.1).

ClinVar aggregate classification (germline): Likely pathogenic (1 of 4 stars; one submission).

Conditions:
Autosomal recessive limb-girdle muscular dystrophy type 2J (LGMDR10). Also called: Limb-girdle muscular dystrophy, type 2J; MUSCULAR DYSTROPHY, LIMB-GIRDLE, AUTOSOMAL RECESSIVE 10. Identifiers: Orphanet 140922, MedGen C1837342, MONDO:0012127, OMIM 608807.
Dilated cardiomyopathy 1G (CMD1G). Identifiers: Orphanet 154, MedGen C1858763, MONDO:0011400, OMIM 604145.

Submission:

Labcorp Genetics (formerly Invitae), Labcorp
Classification: Likely pathogenic for Dilated cardiomyopathy 1G; Autosomal recessive limb-girdle muscular dystrophy type 2J. Last evaluated: 2026-01-06. Review status: criteria provided, single submitter. Criteria: Invitae Variant Classification Sherloc (09022015). Collection method: clinical testing. Allele origin: germline.
Comment: This sequence change creates a premature translational stop signal (p.Glu10653Lysfs*54) in the TTN gene. While this is not anticipated to result in nonsense mediated decay, it is expected to create a truncated TTN protein. This variant is not present in population databases (gnomAD no frequency). This variant has not been reported in the literature in individuals affected with TTN-related conditions. This variant is located in the I band of TTN (PMID: 25589632). Truncating variants in this region have been reported in individuals affected with autosomal recessive centronuclear myopathy (PMID: 23975875, internal data). Truncating variants in this region have also been identified in individuals affected with autosomal dominant dilated cardiomyopathy and/or cardio-related conditions (PMID: 27869827, 32964742, internal data). In summary, the currently available evidence indicates that the variant is pathogenic, but additional data are needed to prove that conclusively. Therefore, this variant has been classified as Likely Pathogenic.

Literature cited by the submitters: PubMed 25589632; PubMed 23975875; PubMed 27869827; PubMed 32964742.